The following is an entry in ClinVar:

NM_020779.4(WDR35):c.479C>A (p.Ser160Tyr)

Gene: WDR35 (WD repeat domain 35; minus strand). Cytogenetic location: 2p24.1.
Variant type: single nucleotide variant.
Coding change: c.479C>A on transcript NM_020779.4 (MANE Select); coding-DNA position 479, C replaced by A.
Protein change: p.Ser160Tyr; replaces serine 160 with tyrosine.
Molecular consequence: missense variant.
Genome position (GRCh38, 1-based): chr2:19,975,621, G>T on the plus strand (C>A on the coding strand, the complement: WDR35 is on the minus strand). VCF-style: chr2-19975621-G-T. GRCh37 (hg19) VCF-style: chr2-20175382-G-T.
Other names: c.479C>A, p.Ser160Tyr (NM_001006657.2); short protein forms S160Y.
Identifiers: ClinVar variation 4057035 (VCV004057035.1).
Genomic context (GRCh38, chr2:19,975,621, plus strand): 5'-ATTTCCCCATTTGCCATTCCAAAAAGTAAGACTTTACTGTCCGCAGACCATGTTACATGG[G>T]ATAGCTGTATACCCTTCAGGTCTTTTCCCCAAATACGATTGCCTAAAACAAAACATTATT-3'
Protein context (NP_065830.2, residues 150-170): WGKDLKGIQL[Ser160Tyr]HVTWSADSKV

ClinVar aggregate classification (germline): Uncertain significance (1 of 4 stars; one submission).

gnomAD v4.1: 1 of 1,613,916 alleles (0.000062%); highest among the groups gnomAD compares: Non-Finnish European, 0.000085%; no homozygotes.

Submission:

GeneDx
Classification: Uncertain significance. Last evaluated: 2025-01-10. Review status: criteria provided, single submitter. Criteria: GeneDx Variant Classification Process June 2021. Collection method: clinical testing. Allele origin: germline. Affected: yes.
Comment: Not observed at significant frequency in large population cohorts (gnomAD); In silico analysis supports that this missense variant has a deleterious effect on protein structure/function; Has not been previously published as pathogenic or benign to our knowledge